The following is an entry in ClinVar:

NM_205768.3(ZBTB18):c.203A>G (p.Lys68Arg)

Gene: ZBTB18 (zinc finger and BTB domain containing 18; plus strand). Cytogenetic location: 1q44.
Variant type: single nucleotide variant.
Coding change: c.203A>G on transcript NM_205768.3 (MANE Select); coding-DNA position 203, A replaced by G.
Protein change: p.Lys68Arg; replaces lysine 68 with arginine.
Molecular consequence: missense variant.
Genome position (GRCh38, 1-based): chr1:244,053,977, A>G. VCF-style: chr1-244053977-A-G. GRCh37 (hg19) VCF-style: chr1-244217279-A-G.
Other names: c.176A>G, p.Lys59Arg (NM_001278196.2, NM_006352.5); c.203A>G, p.Lys68Arg (NM_001421566.1); short protein forms K59R, K68R.
Identifiers: ClinVar variation 3685215 (VCV003685215.2).

ClinVar aggregate classification (germline): Uncertain significance (1 of 4 stars; one submission).

Submission:

Labcorp Genetics (formerly Invitae), Labcorp
Classification: Uncertain significance. Last evaluated: 2025-02-24. Review status: criteria provided, single submitter. Criteria: Invitae Variant Classification Sherloc (09022015). Collection method: clinical testing. Allele origin: germline.
Comment: This sequence change replaces lysine, which is basic and polar, with arginine, which is basic and polar, at codon 68 of the ZBTB18 protein (p.Lys68Arg). This variant is present in population databases (rs753437169, gnomAD 0.006%). This variant has not been reported in the literature in individuals affected with ZBTB18-related conditions. An algorithm developed to predict the effect of missense changes on protein structure and function (PolyPhen-2) suggests that this variant is likely to be tolerated. In summary, the available evidence is currently insufficient to determine the role of this variant in disease. Therefore, it has been classified as a Variant of Uncertain Significance.